The following is an entry in ClinVar:

NC_012920.1(MT-TF):m.629T>C

Gene: MT-TF (mitochondrially encoded tRNA phenylalanine; plus strand).
Variant type: single nucleotide variant.
Genome position: chrM-629-T-C.
Identifiers: ClinVar variation 689823 (VCV000689823.2), dbSNP rs201031012, ClinGen allele CA337095918.

ClinVar aggregate classification (germline): Benign/Likely benign. Review status: criteria provided, multiple submitters, no conflicts (2 of 4 stars). 2 submissions from 2 submitters: Benign (1); Likely benign (1). Last evaluated 2025-02-16.

Conditions:
MELAS syndrome (MELAS). Also called: Juvenile myopathy, encephalopathy, lactic acidosis, stroke. Identifiers: Orphanet 550, MedGen C0162671, MONDO:0010789, OMIM 540000.

Submissions (2):

Laboratory of Genetics, Children's Clinical University Hospital Latvia
Classification: Likely benign. Last evaluated: 2025-02-16. Review status: criteria provided, single submitter. Criteria: ACMG Guidelines, 2015. Collection method: clinical testing. Allele origin: germline. Affected: yes.

Wong Mito Lab, Molecular and Human Genetics, Baylor College of Medicine
Classification: Benign for MELAS syndrome. Last evaluated: 2019-07-12. Review status: criteria provided, single submitter. Criteria: Modified ACMG Guidelines (Unpublished). Collection method: clinical testing. Allele origin: germline.
Comment: The NC_012920.1:m.629T>C variant in MT-TF gene is interpreted to be a Benign variant based on the modified ACMG guidelines (unpublished). This variant meets the following evidence codes reported in the guidelines: BS1, BS4, BP4

Literature cited by the submitters: PubMed 31965079 (cited by Wong Mito Lab, Molecular and Human Genetics, Baylor College of Medicine).